The following is an entry in ClinVar:

NM_170606.3(KMT2C):c.8457C>T (p.Thr2819=)

Gene: KMT2C (lysine methyltransferase 2C; minus strand). Cytogenetic location: 7q36.1.
Variant type: single nucleotide variant.
Coding change: c.8457C>T on transcript NM_170606.3 (MANE Select); coding-DNA position 8457, C replaced by T.
Protein change: p.Thr2819=; no amino-acid change (threonine 2819 retained).
Molecular consequence: synonymous variant.
Genome position (GRCh38, 1-based): chr7:152,176,996, G>A on the plus strand (C>T on the coding strand, the complement: KMT2C is on the minus strand). VCF-style: chr7-152176996-G-A. GRCh37 (hg19) VCF-style: chr7-151874081-G-A.
Identifiers: ClinVar variation 1532177 (VCV001532177.31), dbSNP rs141305805, ClinGen allele CA4579671.

ClinVar aggregate classification (germline): Likely benign. Review status: criteria provided, multiple submitters, no conflicts (2 of 4 stars). 2 submissions from 2 submitters: Likely benign (2). Last evaluated 2026-01-25.

Allele frequency attached by ClinVar (database versions not stated): TOPMed 0.00005; gnomAD exomes 0.00009 and 0.00014; ESP Exome Variant Server 0.00015; ExAC 0.00018; gnomAD 0.00027 and 0.00028.
gnomAD v4.1: 183 of 1,613,748 alleles (0.011%); highest among the groups gnomAD compares: Non-Finnish European, 0.012%; no homozygotes.

Submissions (2):

Labcorp Genetics (formerly Invitae), Labcorp
Classification: Likely benign. Last evaluated: 2026-01-25. Review status: criteria provided, single submitter. Criteria: Invitae Variant Classification Sherloc (09022015). Collection method: clinical testing. Allele origin: germline.

CeGaT Center for Human Genetics Tuebingen
Classification: Likely benign. Last evaluated: 2022-11-01. Review status: criteria provided, single submitter. Criteria: CeGaT Center For Human Genetics Tuebingen Variant Classification Criteria Version 2. Collection method: clinical testing. Allele origin: germline. Affected: yes. Observed: 2 variant alleles.
Comment: KMT2C: BP4, BP7